The following is an entry in ClinVar:

ClinVar aggregate classification (germline): Uncertain significance (1 of 4 stars; one submission).

Allele frequency attached by ClinVar (database versions not stated): gnomAD exomes below 0.00001.
gnomAD v4.1: 6 of 1,609,498 alleles (0.00037%); highest among the groups gnomAD compares: Non-Finnish European, 0.00051%; no homozygotes.

Submission:

Labcorp Genetics (formerly Invitae), Labcorp
Classification: Uncertain significance. Last evaluated: 2025-07-07. Review status: criteria provided, single submitter. Criteria: Invitae Variant Classification Sherloc (09022015). Collection method: clinical testing. Allele origin: germline.
Comment: This sequence change replaces arginine, which is basic and polar, with glycine, which is neutral and non-polar, at codon 51 of the CEP19 protein (p.Arg51Gly). This variant is not present in population databases (gnomAD no frequency). This variant has not been reported in the literature in individuals affected with CEP19-related conditions. ClinVar contains an entry for this variant (Variation ID: 1971851). An algorithm developed to predict the effect of missense changes on protein structure and function (PolyPhen-2) suggests that this variant is likely to be tolerated. In summary, the available evidence is currently insufficient to determine the role of this variant in disease. Therefore, it has been classified as a Variant of Uncertain Significance.

NM_032898.5(CEP19):c.139A>G (p.Arg47Gly)

Gene: CEP19 (centrosomal protein 19; minus strand). Cytogenetic location: 3q29.
Variant type: single nucleotide variant.
Coding change: c.139A>G on transcript NM_032898.5 (MANE Select); coding-DNA position 139, A replaced by G.
Protein change: p.Arg47Gly; replaces arginine 47 with glycine.
Molecular consequence: missense variant.
Genome position (GRCh38, 1-based): chr3:196,707,904, T>C on the plus strand (A>G on the coding strand, the complement: CEP19 is on the minus strand). VCF-style: chr3-196707904-T-C. GRCh37 (hg19) VCF-style: chr3-196434775-T-C.
Other names: c.34A>G, p.Arg12Gly (NM_001379468.1); c.139A>G, p.Arg47Gly (NM_001379469.1, NM_001379470.1); short protein forms R12G, R47G.
Identifiers: ClinVar variation 1971851 (VCV001971851.5), dbSNP rs762205604, ClinGen allele CA90867588.